The following is an entry in ClinVar:

ClinVar aggregate classification (germline): Conflicting classifications of pathogenicity. Review status: criteria provided, conflicting classifications (1 of 4 stars). 6 submissions from 6 submitters: Uncertain significance (4); Benign (1); Likely benign (1). Last evaluated 2025-12-19.

Conditions:
Isolated focal cortical dysplasia type II (FCORD2). Also called: Focal cortical dysplasia type II; CORTICAL DYSPLASIA OF TAYLOR. Identifiers: Orphanet 268994, MedGen C1846385, MONDO:0011818, OMIM 607341, HP:0032051.
Tuberous sclerosis 2 (TSC2). Identifiers: Orphanet 805, MedGen C1860707, MONDO:0013199, OMIM 613254.
Lymphangiomyomatosis (LAM). Also called: Lymphangioleiomyomatosis; Lymphangioleiomyomatosis, somatic. Identifiers: Orphanet 538, MedGen C0751674, MONDO:0011705, OMIM 606690.
TSC2-related disorder. Also called: TSC2-related condition; TSC2-Related Disorders.
Hereditary cancer-predisposing syndrome. Also called: Tumor predisposition; Hereditary neoplastic syndrome; Neoplastic Syndromes, Hereditary; Hereditary Cancer Syndrome. Identifiers: Orphanet 140162, MedGen C0027672, MeSH D009386, MONDO:0015356.
Tuberous sclerosis syndrome (TSC). Also called: Tuberous Sclerosis Complex; Tuberous sclerosis. Identifiers: Orphanet 805, MedGen C0041341, MONDO:0001734.

Allele frequency attached by ClinVar (database versions not stated): gnomAD exomes below 0.00001; gnomAD 0.00003 and 0.00004; TOPMed 0.00003.
gnomAD v4.1: 9 of 1,611,980 alleles (0.00056%); highest among the groups gnomAD compares: Admixed American, 0.005%; no homozygotes.

Submissions (6):

Ambry Genetics
Classification: Likely benign for Hereditary cancer-predisposing syndrome. Last evaluated: 2025-12-19. Review status: criteria provided, single submitter. Criteria: Ambry Variant Classification Scheme 2023. Collection method: clinical testing. Allele origin: germline.

PreventionGenetics, part of Exact Sciences
Classification: Uncertain significance for TSC2-related condition. Last evaluated: 2025-12-10. Review status: criteria provided, single submitter. Criteria: ACMG Guidelines, 2015. Collection method: clinical testing. Allele origin: germline.
Comment: The TSC2 c.3851A>G variant is predicted to result in the amino acid substitution p.Gln1284Arg. To our knowledge, this variant has not been reported in the literature. This variant is reported in 0.0040% of alleles in individuals of African descent in gnomAD. This variant has conflicting interpretations in ClinVar ranging from uncertain to likely benign (Variation ID: 535957). At this time, the clinical significance of this variant is uncertain due to the absence of conclusive functional and genetic evidence.

Labcorp Genetics (formerly Invitae), Labcorp
Classification: Benign for Tuberous sclerosis 2. Last evaluated: 2025-09-16. Review status: criteria provided, single submitter. Criteria: Invitae Variant Classification Sherloc (09022015). Collection method: clinical testing. Allele origin: germline.

All of Us Research Program, National Institutes of Health
Classification: Uncertain significance for Tuberous sclerosis syndrome. Last evaluated: 2024-06-17. Review status: criteria provided, single submitter. Criteria: ACMG Guidelines, 2015. Collection method: clinical testing. Allele origin: germline. Inheritance: Autosomal dominant inheritance. Observed: 1 variant allele, 1 heterozygote.
Comment: This missense variant replaces glutamine with arginine at codon 1284 of the TSC2 protein. Computational prediction suggests that this variant may not impact protein structure and function. To our knowledge, functional studies have not been reported for this variant. This variant has not been reported in individuals affected with tuberous sclerosis complex in the literature. This variant has been identified in 1/281496 chromosomes in the general population by the Genome Aggregation Database (gnomAD). The available evidence is insufficient to determine the role of this variant in disease conclusively. Therefore, this variant is classified as a Variant of Uncertain Significance.

This study involves interpretation of variants in research participants for the purpose of population health screening. Participant phenotype was not available at the time of variant classification. Additional details can be found in publication PMID: 35346344, PMCID: PMC8962531

Color Diagnostics, LLC DBA Color Health
Classification: Uncertain significance for Tuberous sclerosis syndrome. Last evaluated: 2024-06-04. Review status: criteria provided, single submitter. Criteria: ACMG Guidelines, 2015. Collection method: clinical testing. Allele origin: germline.
Comment: This missense variant replaces glutamine with arginine at codon 1284 of the TSC2 protein. Computational prediction suggests that this variant may not impact protein structure and function. To our knowledge, functional studies have not been reported for this variant. This variant has not been reported in individuals affected with tuberous sclerosis complex in the literature. This variant has been identified in 1/281496 chromosomes in the general population by the Genome Aggregation Database (gnomAD). The available evidence is insufficient to determine the role of this variant in disease conclusively. Therefore, this variant is classified as a Variant of Uncertain Significance.

Fulgent Genetics
Classification: Uncertain significance for Lymphangiomyomatosis; Isolated focal cortical dysplasia type II; Tuberous sclerosis 2. Last evaluated: 2021-12-16. Review status: criteria provided, single submitter. Criteria: ACMG Guidelines, 2015. Collection method: clinical testing. Allele origin: unknown.

NM_000548.5(TSC2):c.3851A>G (p.Gln1284Arg)

Gene: TSC2 (TSC complex subunit 2; plus strand). Cytogenetic location: 16p13.3.
Variant type: single nucleotide variant.
Coding change: c.3851A>G on transcript NM_000548.5 (MANE Select); coding-DNA position 3851, A replaced by G.
Protein change: p.Gln1284Arg; replaces glutamine 1284 with arginine.
Molecular consequence: missense variant. On other transcripts: intron variant (6).
Genome position (GRCh38, 1-based): chr16:2,082,472, A>G. VCF-style: chr16-2082472-A-G. GRCh37 (hg19) VCF-style: chr16-2132473-A-G.
Other names: c.3119A>G, p.Gln1040Arg (NM_001318831.2); c.3719A>G, p.Gln1240Arg (NM_001370404.1); c.3722A>G, p.Gln1241Arg (NM_001370405.1, NM_021055.3); c.3814+674A>G (NM_001114382.3); c.3685+674A>G (NM_001363528.2); c.3682+674A>G (NM_001077183.3); c.3574+674A>G (NM_001318827.2); c.3538+674A>G (NM_001318829.2); and 2 more; short protein forms Q1284R, Q1040R, Q1240R, Q1241R.
Identifiers: ClinVar variation 535957 (VCV000535957.17), dbSNP rs944693159, ClinGen allele CA276750917.